The following is an entry in ClinVar:

NM_014727.3(KMT2B):c.4273G>C (p.Val1425Leu)

Gene: KMT2B (lysine methyltransferase 2B; plus strand). Cytogenetic location: 19q13.12.
Variant type: single nucleotide variant.
Coding change: c.4273G>C on transcript NM_014727.3 (MANE Select); coding-DNA position 4273, G replaced by C.
Protein change: p.Val1425Leu; replaces valine 1425 with leucine.
Molecular consequence: missense variant.
Genome position (GRCh38, 1-based): chr19:35,727,593, G>C. VCF-style: chr19-35727593-G-C. GRCh37 (hg19) VCF-style: chr19-36218494-G-C.
Other names: short protein forms V1425L.
Identifiers: ClinVar variation 4070827 (VCV004070827.1).
Genomic context (GRCh38, chr19:35,727,593, plus strand): 5'-CTGAGCGGGGCCCTCCAGGGGGGCCTGCGCCAGGTGCTCCAGGGCCTGCTGAGCTCCAAG[G>C]TGGTGGGCCCACTGCTGCTCTGCACCCAGGTCTGGAGGGCCCTGGAGGCAGGATGGGCCG-3'
Protein context (NP_055542.1, residues 1415-1435): QVLQGLLSSK[Val1425Leu]VGPLLLCTQC

ClinVar aggregate classification (germline): Uncertain significance (1 of 4 stars; one submission).

gnomAD v4.1: 16 of 1,606,512 alleles (0.001%); highest among the groups gnomAD compares: Non-Finnish European, 0.0014%; no homozygotes.

Submission:

GeneDx
Classification: Uncertain significance. Last evaluated: 2025-01-21. Review status: criteria provided, single submitter. Criteria: GeneDx Variant Classification Process June 2021. Collection method: clinical testing. Allele origin: germline. Affected: yes.
Comment: Not observed at significant frequency in large population cohorts (gnomAD); In silico analysis indicates that this missense variant does not alter protein structure/function; Has not been previously published as pathogenic or benign to our knowledge; In silico analysis is inconclusive as to whether the variant alters gene splicing. In the absence of RNA/functional studies, the actual effect of this sequence change is unknown.